The following is an entry in ClinVar:

NM_000313.4(PROS1):c.83C>A (p.Ser28Ter)

Gene: PROS1 (protein S; minus strand). Cytogenetic location: 3q11.1.
Variant type: single nucleotide variant.
Coding change: c.83C>A on transcript NM_000313.4 (MANE Select); coding-DNA position 83, C replaced by A.
Protein change: p.Ser28Ter; replaces serine 28 with a stop codon.
Molecular consequence: nonsense.
Genome position (GRCh38, 1-based): chr3:93,927,401, G>T on the plus strand (C>A on the coding strand, the complement: PROS1 is on the minus strand). VCF-style: chr3-93927401-G-T. GRCh37 (hg19) VCF-style: chr3-93646245-G-T.
Other names: c.179C>A, p.Ser60Ter (NM_001314077.2); short protein forms S28*, S60*.
Identifiers: ClinVar variation 3647767 (VCV003647767.3).

ClinVar aggregate classification (germline): Pathogenic. Review status: criteria provided, single submitter (1 of 4 stars). 2 submissions from 2 submitters: Pathogenic (1). 1 of the submissions does not count toward it. Last evaluated 2024-03-27.

Conditions:
Thrombophilia due to protein S deficiency, autosomal dominant (THPH5). Identifiers: Orphanet 26349, Orphanet 743, MedGen C3278211, MONDO:0012868, OMIM 612336. Disease mechanism: loss of function.
Thrombophilia due to protein S deficiency, autosomal recessive (THPH6). Identifiers: Orphanet 743, MedGen C3281092, MONDO:0013791, OMIM 614514. Disease mechanism: loss of function.

Submissions (2):

Labcorp Genetics (formerly Invitae), Labcorp
Classification: Pathogenic for Thrombophilia due to protein S deficiency, autosomal recessive. Last evaluated: 2024-03-27. Review status: criteria provided, single submitter. Criteria: Invitae Variant Classification Sherloc (09022015). Collection method: clinical testing. Allele origin: germline.
Comment: This sequence change creates a premature translational stop signal (p.Ser28*) in the PROS1 gene. It is expected to result in an absent or disrupted protein product. Loss-of-function variants in PROS1 are known to be pathogenic (PMID: 9241758). This variant is not present in population databases (gnomAD no frequency). This variant has not been reported in the literature in individuals affected with PROS1-related conditions. For these reasons, this variant has been classified as Pathogenic.

Department of Transfusion Medicine and Hemostaseology, University Hospital Erlangen
Classification: Likely pathogenic for Thrombophilia due to protein S deficiency, autosomal dominant. Last evaluated: 2025-09-01. Review status: no assertion criteria provided. Collection method: clinical testing. Allele origin: germline. Not counted in ClinVar's aggregate classification.
Comment: This variant was identified during a screening of patients with suspected hereditary Protein S deficiency. Currently, no literature describing this variant is available and it is not listed in any public population database. Nevertheless, due to the introduction of a premature stop codon within the propeptide domain of Protein S, we classified this variant as likely pathogenic.

Literature cited by the submitters: PubMed 9241758 (cited by Labcorp Genetics (formerly Invitae), Labcorp).